The following is an entry in ClinVar:

NM_201548.5(CERKL):c.1392dup (p.Thr465fs)

Gene: CERKL (CERK like autophagy regulator; minus strand). Cytogenetic location: 2q31.3.
Variant type: Duplication.
Coding change: c.1392dup on transcript NM_201548.5 (MANE Select); coding-DNA position 1392, one base duplicated (C; older notation c.1392dupC).
Protein change: p.Thr465fs; shifts the reading frame from threonine 465.
Molecular consequence: frameshift variant. On other transcripts: non-coding transcript variant (2).
Genome position (GRCh38, 1-based): chr2:181,539,238, G duplicated on the plus strand (C on the coding strand, the reverse complement: CERKL is on the minus strand). VCF-style (leftmost placement, unchanged base first): chr2-181539237-T-TG. GRCh37 (hg19) VCF-style: chr2-182403964-T-TG.
Other names: c.1470dup, p.Thr491fs (NM_001030311.3); c.1053dup, p.Thr352fs (NM_001030312.3); c.1185dup, p.Thr396fs (NM_001030313.3); c.1338dup, p.Thr447fs (NM_001160277.2); short protein forms T352fs, T396fs, T447fs, T465fs, T491fs.
Identifiers: ClinVar variation 1453427 (VCV001453427.6), dbSNP rs2105787237, ClinGen allele CA2573134032.

ClinVar aggregate classification (germline): Pathogenic (1 of 4 stars; one submission).

Submission:

Labcorp Genetics (formerly Invitae), Labcorp
Classification: Pathogenic. Last evaluated: 2021-09-07. Review status: criteria provided, single submitter. Criteria: Invitae Variant Classification Sherloc (09022015). Collection method: clinical testing. Allele origin: germline.
Comment: This sequence change creates a premature translational stop signal (p.Thr491Hisfs*3) in the CERKL gene. It is expected to result in an absent or disrupted protein product. Loss-of-function variants in CERKL are known to be pathogenic (PMID: 14681825, 24043777). This variant is not present in population databases (ExAC no frequency). This variant has not been reported in the literature in individuals affected with CERKL-related conditions. For these reasons, this variant has been classified as Pathogenic.

Literature cited by the submitters: PubMed 14681825; PubMed 24043777.